The following is an entry in ClinVar:

ClinVar aggregate classification (germline): Uncertain significance (1 of 4 stars; one submission).

Submission:

Ambry Genetics
Classification: Uncertain significance. Last evaluated: 2021-06-13. Review status: criteria provided, single submitter. Criteria: Ambry Variant Classification Scheme 2023. Collection method: clinical testing. Allele origin: germline.
Comment: The p.G3996S variant (also known as c.11986G>A), located in coding exon 84 of the PRKDC gene, results from a G to A substitution at nucleotide position 11986. The glycine at codon 3996 is replaced by serine, an amino acid with similar properties. This amino acid position is conserved. In addition, this alteration is predicted to be tolerated by in silico analysis. Since supporting evidence is limited at this time, the clinical significance of this alteration remains unclear.

NM_006904.7(PRKDC):c.11986G>A (p.Gly3996Ser)

Gene: PRKDC (protein kinase, DNA-activated, catalytic subunit; minus strand). Cytogenetic location: 8q11.21.
Variant type: single nucleotide variant.
Coding change: c.11986G>A on transcript NM_006904.7 (MANE Select); coding-DNA position 11986, G replaced by A.
Protein change: p.Gly3996Ser; replaces glycine 3996 with serine.
Molecular consequence: missense variant.
Genome position (GRCh38, 1-based): chr8:47,777,742, C>T on the plus strand (G>A on the coding strand, the complement: PRKDC is on the minus strand). VCF-style: chr8-47777742-C-T. GRCh37 (hg19) VCF-style: chr8-48690303-C-T.
Other names: c.11893G>A, p.Gly3965Ser (NM_001081640.2); short protein forms G3996S, G3965S.
Identifiers: ClinVar variation 1746466 (VCV001746466.2), dbSNP rs2551859684, ClinGen allele CA371128126.